The following is an entry in ClinVar:

ClinVar aggregate classification (germline): Pathogenic (1 of 4 stars; one submission).

Conditions:
Ellis-van Creveld syndrome (EVC). Also called: MESOECTODERMAL DYSPLASIA; Chondroectodermal dysplasia. Identifiers: Orphanet 289, MedGen C0013903, MONDO:0009162, OMIM 225500.

Submission:

Myriad Genetics, Inc.
Classification: Pathogenic for Ellis-van Creveld syndrome. Last evaluated: 2023-09-26. Review status: criteria provided, single submitter. Criteria: Myriad Autosomal Dominant, Autosomal Recessive and X-Linked Classification Criteria (2023). Collection method: clinical testing. Allele origin: unknown.
Comment: NM_153717.2(EVC):c.1941delG(R648Gfs*12) is expected to be pathogenic in the context of EVC-related Ellis-van Creveld syndrome. This variant is predicted to lead to an abnormal or absent protein product due to the creation of a premature termination codon in EVC, a gene where loss-of-function variants are known to be pathogenic. Please note: this variant was assessed in the context of healthy population screening.

NM_153717.3(EVC):c.1941del (p.Arg648fs)

Gene: EVC (EvC ciliary complex subunit 1; plus strand). Cytogenetic location: 4p16.2.
Variant type: Deletion.
Coding change: c.1941del on transcript NM_153717.3 (MANE Select); coding-DNA position 1941, one base deleted (G; older notation c.1941delG).
Protein change: p.Arg648fs; shifts the reading frame from arginine 648.
Molecular consequence: frameshift variant.
Genome position (GRCh38, 1-based): chr4:5,797,076, G deleted; the last of 2 consecutive G bases (chr4:5,797,075-5,797,076); deleting either gives the same sequence. VCF-style (leftmost placement, unchanged base first): chr4-5797074-CG-C. GRCh37 (hg19) VCF-style: chr4-5798801-CG-C.
Other names: c.1941del, p.Arg648fs (NM_001306090.2); short protein forms R648fs.
Identifiers: ClinVar variation 5011736 (VCV005011736.1).